The following is an entry in ClinVar:

ClinVar aggregate classification (germline): Pathogenic (1 of 4 stars; one submission).

Allele frequency attached by ClinVar (database versions not stated): TOPMed 0.00001.

Submission:

Labcorp Genetics (formerly Invitae), Labcorp
Classification: Pathogenic. Last evaluated: 2022-12-19. Review status: criteria provided, single submitter. Criteria: Invitae Variant Classification Sherloc (09022015). Collection method: clinical testing. Allele origin: germline.
Comment: For these reasons, this variant has been classified as Pathogenic. Algorithms developed to predict the effect of sequence changes on RNA splicing suggest that this variant may disrupt the consensus splice site. Disruption of this splice site has been observed in individuals with Usher syndrome (PMID: 26927203, 32531858). This variant is not present in population databases (gnomAD no frequency). This sequence change affects an acceptor splice site in intron 69 of the USH2A gene. It is expected to disrupt RNA splicing. Variants that disrupt the donor or acceptor splice site typically lead to a loss of protein function (PMID: 16199547), and loss-of-function variants in USH2A are known to be pathogenic (PMID: 10729113, 10909849, 20507924, 25649381).

Literature cited by the submitters: PubMed 26927203; PubMed 32531858; PubMed 16199547; PubMed 10729113; PubMed 10909849; PubMed 20507924; PubMed 25649381.

NM_206933.4(USH2A):c.15053-2A>C

Gene: USH2A (usherin; minus strand). Cytogenetic location: 1q41.
Variant type: single nucleotide variant.
Coding change: c.15053-2A>C on transcript NM_206933.4 (MANE Select); the canonical splice acceptor site of the intron before coding-DNA position 15053, A replaced by C.
Molecular consequence: splice acceptor variant.
Genome position (GRCh38, 1-based): chr1:215,634,705, T>G on the plus strand (A>C on the coding strand, the complement: USH2A is on the minus strand). VCF-style: chr1-215634705-T-G. GRCh37 (hg19) VCF-style: chr1-215808047-T-G.
Identifiers: ClinVar variation 2129201 (VCV002129201.4), dbSNP rs1052194170, ClinGen allele CA37374529.